The following is an entry in ClinVar:

ClinVar aggregate classification (germline): Uncertain significance (1 of 4 stars; one submission).

Conditions:
Noonan syndrome 9 (NS9). Identifiers: Orphanet 648, MedGen C4225282, MONDO:0014691, OMIM 616559.

Submission:

St. Jude Molecular Pathology, St. Jude Children's Research Hospital
Classification: Uncertain significance for Noonan syndrome 9. Last evaluated: 2026-02-11. Review status: criteria provided, single submitter. Criteria: St. Jude Assertion Criteria 2020. Collection method: clinical testing. Allele origin: germline.
Comment: The SOS2 c.3760A>G p.(Thr1254Ala) missense change is absent in gnomAD v2.1.1. The in silico tool REVEL predicts a benign effect on protein function, but to our knowledge this prediction has not been confirmed by functional studies. To our knowledge, this variant has not been reported in individuals with Noonan syndrome. In summary, the evidence currently available is insufficient to determine the clinical significance of this variant. It has therefore been classified as of uncertain significance.

NM_006939.4(SOS2):c.3760A>G (p.Thr1254Ala)

Gene: SOS2 (SOS Ras/Rho guanine nucleotide exchange factor 2; minus strand). Cytogenetic location: 14q21.3.
Variant type: single nucleotide variant.
Coding change: c.3760A>G on transcript NM_006939.4 (MANE Select); coding-DNA position 3760, A replaced by G.
Protein change: p.Thr1254Ala; replaces threonine 1254 with alanine.
Molecular consequence: missense variant.
Genome position (GRCh38, 1-based): chr14:50,118,583, T>C on the plus strand (A>G on the coding strand, the complement: SOS2 is on the minus strand). VCF-style: chr14-50118583-T-C. GRCh37 (hg19) VCF-style: chr14-50585301-T-C.
Other names: c.3661A>G, p.Thr1221Ala (NM_001411020.1); short protein forms T1221A, T1254A.
Identifiers: ClinVar variation 4813140 (VCV004813140.1).